The following is an entry in ClinVar:

ClinVar aggregate classification (germline): Uncertain significance (1 of 4 stars; one submission).

Conditions:
Hereditary cancer-predisposing syndrome. Also called: Neoplastic Syndromes, Hereditary; Tumor predisposition; Hereditary neoplastic syndrome; Hereditary Cancer Syndrome. Identifiers: Orphanet 140162, MedGen C0027672, MeSH D009386, MONDO:0015356.

Submission:

Ambry Genetics
Classification: Uncertain significance for Hereditary cancer-predisposing syndrome. Last evaluated: 2025-01-17. Review status: criteria provided, single submitter. Criteria: Ambry Variant Classification Scheme 2023. Collection method: clinical testing. Allele origin: germline.
Comment: The p.Y151S variant (also known as c.452A>C), located in coding exon 2 of the MSH6 gene, results from an A to C substitution at nucleotide position 452. The tyrosine at codon 151 is replaced by serine, an amino acid with dissimilar properties. This amino acid position is highly conserved in available vertebrate species. In addition, this alteration is predicted to be deleterious by in silico analysis. Based on the available evidence, the clinical significance of this variant remains unclear.

NM_000179.3(MSH6):c.452A>C (p.Tyr151Ser)

Gene: MSH6 (mutS homolog 6; plus strand). Cytogenetic location: 2p16.3.
Variant type: single nucleotide variant.
Coding change: c.452A>C on transcript NM_000179.3 (MANE Select); coding-DNA position 452, A replaced by C.
Protein change: p.Tyr151Ser; replaces tyrosine 151 with serine.
Molecular consequence: missense variant. On other transcripts: 5 prime UTR variant (2), intron variant (1).
Genome position (GRCh38, 1-based): chr2:47,791,118, A>C. VCF-style: chr2-47791118-A-C. GRCh37 (hg19) VCF-style: chr2-48018257-A-C.
Other names: c.-285A>C (NM_001281493.2); c.-451A>C (NM_001281494.2); c.238-7493A>C (NM_001281492.2); short protein forms Y151S.
Identifiers: ClinVar variation 824973 (VCV000824973.5), dbSNP rs876659649, ClinGen allele CA346737202.